The following is an entry in ClinVar:

ClinVar aggregate classification (germline): Uncertain significance. Review status: criteria provided, multiple submitters, no conflicts (2 of 4 stars). 2 submissions from 2 submitters: Uncertain significance (2). Last evaluated 2024-09-26.

Conditions:
Inborn genetic diseases. Identifiers: MedGen C0950123, MeSH D030342.

Allele frequency attached by ClinVar (database versions not stated): ExAC 0.00002; gnomAD exomes 0.00002.

Submissions (2):

Ambry Genetics
Classification: Uncertain significance for Inborn genetic diseases. Last evaluated: 2024-09-26. Review status: criteria provided, single submitter. Criteria: Ambry Variant Classification Scheme 2023. Collection method: clinical testing. Allele origin: germline.

Labcorp Genetics (formerly Invitae), Labcorp
Classification: Uncertain significance. Last evaluated: 2021-09-21. Review status: criteria provided, single submitter. Criteria: Invitae Variant Classification Sherloc (09022015). Collection method: clinical testing. Allele origin: germline.
Comment: Algorithms developed to predict the effect of missense changes on protein structure and function (SIFT, PolyPhen-2, Align-GVGD) all suggest that this variant is likely to be disruptive. This variant has not been reported in the literature in individuals affected with MDH2-related conditions. The frequency data for this variant in the population databases is considered unreliable, as metrics indicate poor data quality at this position in the ExAC database. This sequence change replaces arginine with tryptophan at codon 110 of the MDH2 protein (p.Arg110Trp). The arginine residue is highly conserved and there is a moderate physicochemical difference between arginine and tryptophan. In summary, the available evidence is currently insufficient to determine the role of this variant in disease. Therefore, it has been classified as a Variant of Uncertain Significance.

NM_005918.4(MDH2):c.328C>T (p.Arg110Trp)

Gene: MDH2 (malate dehydrogenase 2; plus strand). Cytogenetic location: 7q11.23.
Variant type: single nucleotide variant.
Coding change: c.328C>T on transcript NM_005918.4 (MANE Select); coding-DNA position 328, C replaced by T.
Protein change: p.Arg110Trp; replaces arginine 110 with tryptophan.
Molecular consequence: missense variant.
Genome position (GRCh38, 1-based): chr7:76,057,977, C>T. VCF-style: chr7-76057977-C-T. GRCh37 (hg19) VCF-style: chr7-75687295-C-T.
Other names: c.328C>T, p.Arg110Trp (NM_001282403.2); c.7C>T, p.Arg3Trp (NM_001282404.2); short protein forms R110W, R3W.
Identifiers: ClinVar variation 1494068 (VCV001494068.9), dbSNP rs782472423, ClinGen allele CA4305503.